The following is an entry in ClinVar:

ClinVar aggregate classification (germline): Likely benign (0 of 4 stars; one submission).

Conditions:
RPS24-related disorder. Also called: RPS24-related condition.

Allele frequency attached by ClinVar (database versions not stated): ExAC 0.00005; TOPMed 0.00010; gnomAD exomes 0.00018; gnomAD 0.00011.
gnomAD v4.1: 261 of 1,551,684 alleles (0.017%); highest among the groups gnomAD compares: Non-Finnish European, 0.021%; no homozygotes.

Submission:

PreventionGenetics, part of Exact Sciences
Classification: Likely benign for RPS24-related condition. Last evaluated: 2023-10-06. Review status: no assertion criteria provided. Collection method: clinical testing. Allele origin: germline.
Comment: This variant is classified as likely benign based on ACMG/AMP sequence variant interpretation guidelines (Richards et al. 2015 PMID: 25741868, with internal and published modifications).

NM_001142285.2(RPS24):c.468G>A (p.Ser156=)

Gene: RPS24 (ribosomal protein S24; plus strand). Cytogenetic location: 10q22.3.
Variant type: single nucleotide variant.
Coding change: c.468G>A on transcript NM_001142285.2; coding-DNA position 468, G replaced by A.
Protein change: p.Ser156=; no amino-acid change (serine 156 retained).
Molecular consequence: synonymous variant.
Genome position (GRCh38, 1-based): chr10:78,054,608, G>A. VCF-style: chr10-78054608-G-A. GRCh37 (hg19) VCF-style: chr10-79814366-G-A.
Identifiers: ClinVar variation 3031763 (VCV003031763.2), dbSNP rs770232935, ClinGen allele CA5572086.